The following is an entry in ClinVar:

ClinVar aggregate classification (germline): Uncertain significance (1 of 4 stars; one submission).

Allele frequency attached by ClinVar (database versions not stated): TOPMed below 0.00001; gnomAD 0.00001; ExAC 0.00002.

Submission:

Labcorp Genetics (formerly Invitae), Labcorp
Classification: Uncertain significance. Last evaluated: 2024-04-03. Review status: criteria provided, single submitter. Criteria: Invitae Variant Classification Sherloc (09022015). Collection method: clinical testing. Allele origin: germline.
Comment: This sequence change replaces alanine, which is neutral and non-polar, with serine, which is neutral and polar, at codon 350 of the GRIN2D protein (p.Ala350Ser). The frequency data for this variant in the population databases is considered unreliable, as metrics indicate poor data quality at this position in the gnomAD database. This variant has not been reported in the literature in individuals affected with GRIN2D-related conditions. ClinVar contains an entry for this variant (Variation ID: 1923583). Advanced modeling of protein sequence and biophysical properties (such as structural, functional, and spatial information, amino acid conservation, physicochemical variation, residue mobility, and thermodynamic stability) performed at Invitae indicates that this missense variant is not expected to disrupt GRIN2D protein function with a negative predictive value of 95%. In summary, the available evidence is currently insufficient to determine the role of this variant in disease. Therefore, it has been classified as a Variant of Uncertain Significance.

NM_000836.4(GRIN2D):c.1048G>T (p.Ala350Ser)

Gene: GRIN2D (glutamate ionotropic receptor NMDA type subunit 2D; plus strand). Cytogenetic location: 19q13.33.
Variant type: single nucleotide variant.
Coding change: c.1048G>T on transcript NM_000836.4 (MANE Select); coding-DNA position 1048, G replaced by T.
Protein change: p.Ala350Ser; replaces alanine 350 with serine.
Molecular consequence: missense variant.
Genome position (GRCh38, 1-based): chr19:48,405,316, G>T. VCF-style: chr19-48405316-G-T. GRCh37 (hg19) VCF-style: chr19-48908573-G-T.
Other names: short protein forms A350S.
Identifiers: ClinVar variation 1923583 (VCV001923583.5), dbSNP rs764232381, ClinGen allele CA9550443.